The following is an entry in ClinVar:

ClinVar aggregate classification (germline): Pathogenic. Review status: criteria provided, multiple submitters, no conflicts (2 of 4 stars). 2 submissions from 2 submitters: Pathogenic (2). Last evaluated 2026-02-18.

Conditions:
Hereditary cancer-predisposing syndrome. Also called: Hereditary neoplastic syndrome; Neoplastic Syndromes, Hereditary; Tumor predisposition; Hereditary Cancer Syndrome. Identifiers: Orphanet 140162, MedGen C0027672, MeSH D009386, MONDO:0015356.
Hereditary breast ovarian cancer syndrome. Also called: Hereditary breast and ovarian cancer syndrome (HBOC); Hereditary breast and ovarian cancer; Breast and ovarian cancer; Hereditary breast and/or ovarian cancer syndrome; BRCA1- and BRCA2-Associated Hereditary Breast and Ovarian Cancer; Hereditary breast and ovarian cancer syndrome. Identifiers: Orphanet 145, MedGen C0677776, MeSH D061325, MONDO:0003582. Disease mechanism: loss of function.

Submissions (2):

Ambry Genetics
Classification: Pathogenic for Hereditary cancer-predisposing syndrome. Last evaluated: 2026-02-18. Review status: criteria provided, single submitter. Criteria: Ambry Variant Classification Scheme 2023. Collection method: clinical testing. Allele origin: germline.
Comment: The c.4657_4658delAC pathogenic mutation, located in coding exon 10 of the BRCA2 gene, results from a deletion of two nucleotides at nucleotide positions 4657 to 4658, causing a translational frameshift with a predicted alternate stop codon (p.T1553*). This variant is considered to be rare based on population cohorts in the Genome Aggregation Database (gnomAD). This alteration is expected to result in loss of function by premature protein truncation or nonsense-mediated mRNA decay. As such, this alteration is interpreted as a disease-causing mutation.

Labcorp Genetics (formerly Invitae), Labcorp
Classification: Pathogenic for Hereditary breast ovarian cancer syndrome. Last evaluated: 2023-08-29. Review status: criteria provided, single submitter. Criteria: Invitae Variant Classification Sherloc (09022015). Collection method: clinical testing. Allele origin: germline.
Comment: This sequence change creates a premature translational stop signal (p.Thr1553*) in the BRCA2 gene. It is expected to result in an absent or disrupted protein product. Loss-of-function variants in BRCA2 are known to be pathogenic (PMID: 20104584). This variant is not present in population databases (gnomAD no frequency). This premature translational stop signal has been observed in individual(s) with breast cancer and/or ovarian cancer (PMID: 28294317, 31825140). ClinVar contains an entry for this variant (Variation ID: 2137477). For these reasons, this variant has been classified as Pathogenic.

Literature cited by the submitters: PubMed 20104584 (cited by Labcorp Genetics (formerly Invitae), Labcorp); PubMed 28294317 (cited by Labcorp Genetics (formerly Invitae), Labcorp); PubMed 31825140 (cited by Labcorp Genetics (formerly Invitae), Labcorp).

NM_000059.4(BRCA2):c.4657_4658del (p.Gly1552_Thr1553insTer)

Gene: BRCA2 (BRCA2 DNA repair associated; plus strand). Cytogenetic location: 13q13.1.
Variant type: Deletion.
Coding change: c.4657_4658del on transcript NM_000059.4 (MANE Select); coding-DNA positions 4657 to 4658, 2 bases deleted (AC; older notation c.4657_4658delAC).
Protein change: p.Gly1552_Thr1553insTer.
Molecular consequence: nonsense.
Genome position (GRCh38, 1-based): chr13:32,339,012-32,339,013, AC deleted. VCF-style (leftmost placement, unchanged base first): chr13-32339011-TAC-T. GRCh37 (hg19) VCF-style: chr13-32913148-TAC-T.
Other names: c.4657_4658delAC (NM_000059.3).
Identifiers: ClinVar variation 2137477 (VCV002137477.5), dbSNP rs1566230903, ClinGen allele CA919242621.